The following is an entry in ClinVar:

NM_006019.4(TCIRG1):c.692del (p.Lys231fs)

Gene: TCIRG1 (T cell immune regulator 1, ATPase H+ transporting V0 subunit a3; plus strand). Cytogenetic location: 11q13.2.
Variant type: Deletion.
Coding change: c.692del on transcript NM_006019.4 (MANE Select); coding-DNA position 692, one base deleted (A; older notation c.692delA).
Protein change: p.Lys231fs; shifts the reading frame from lysine 231.
Molecular consequence: frameshift variant. On other transcripts: 5 prime UTR variant (1).
Genome position (GRCh38, 1-based): chr11:68,043,632, A deleted; the last of 2 consecutive A bases (chr11:68,043,631-68,043,632); deleting either gives the same sequence. VCF-style (leftmost placement, unchanged base first): chr11-68043630-GA-G. GRCh37 (hg19) VCF-style: chr11-67811097-GA-G.
Other names: c.-219del (NM_001351059.2); c.44del, p.Lys15fs (NM_006053.4); c.692delA (NM_006019.3); short protein forms K231fs, K15fs.
Identifiers: ClinVar variation 2137169 (VCV002137169.5), dbSNP rs1387903645, ClinGen allele CA600238660.

ClinVar aggregate classification (germline): Pathogenic. Review status: criteria provided, multiple submitters, no conflicts (2 of 4 stars). 2 submissions from 2 submitters: Pathogenic (2). Last evaluated 2024-01-04.

Conditions:
TCIRG1-related disorder. Also called: TCIRG1-related condition.

Submissions (2):

Labcorp Genetics (formerly Invitae), Labcorp
Classification: Pathogenic. Last evaluated: 2024-01-04. Review status: criteria provided, single submitter. Criteria: Invitae Variant Classification Sherloc (09022015). Collection method: clinical testing. Allele origin: germline.
Comment: This sequence change creates a premature translational stop signal (p.Lys231Argfs*48) in the TCIRG1 gene. It is expected to result in an absent or disrupted protein product. Loss-of-function variants in TCIRG1 are known to be pathogenic (PMID: 10888887, 10942435, 11532986, 19448635). This variant is present in population databases (no rsID available, gnomAD 0.006%). This premature translational stop signal has been observed in individual(s) with osteopetrosis (PMID: 28816234). ClinVar contains an entry for this variant (Variation ID: 2137169). For these reasons, this variant has been classified as Pathogenic.

PreventionGenetics, part of Exact Sciences
Classification: Pathogenic for TCIRG1-related condition. Last evaluated: 2023-03-27. Review status: criteria provided, single submitter. Criteria: ACMG Guidelines, 2015. Collection method: clinical testing. Allele origin: germline.
Comment: The TCIRG1 c.692delA variant is predicted to result in a frameshift and premature protein termination (p.Lys231Argfs*48). This variant was reported in the compound heterozygous state along with a nonsense variant in an individual with autosomal recessive osteopetrosis (Zhang et al. 2017. PubMed ID: 28816234). This variant is reported in 0.0055% of alleles in individuals of East Asian descent in gnomAD. Frameshift variants in TCIRG1 are expected to be pathogenic. This variant is interpreted as pathogenic.

Literature cited by the submitters: PubMed 10888887 (cited by Labcorp Genetics (formerly Invitae), Labcorp); PubMed 10942435 (cited by Labcorp Genetics (formerly Invitae), Labcorp); PubMed 11532986 (cited by Labcorp Genetics (formerly Invitae), Labcorp); PubMed 19448635 (cited by Labcorp Genetics (formerly Invitae), Labcorp); PubMed 28816234 (cited by Labcorp Genetics (formerly Invitae), Labcorp).